The following is an entry in ClinVar:

ClinVar aggregate classification (germline): Likely benign (0 of 4 stars; one submission).

Conditions:
COL6A2-related disorder.

gnomAD v4.1: 978 of 1,613,100 alleles (0.061%); highest among the groups gnomAD compares: South Asian, 0.08%; 5 homozygotes.

Submission:

PreventionGenetics, part of Exact Sciences
Classification: Likely benign for COL6A2-related condition. Last evaluated: 2024-08-28. Review status: no assertion criteria provided. Collection method: clinical testing. Allele origin: germline.
Comment: This variant is classified as likely benign based on ACMG/AMP sequence variant interpretation guidelines (Richards et al. 2015 PMID: 25741868, with internal and published modifications).

NM_001849.4(COL6A2):c.735+35G>A

Gene: COL6A2 (collagen type VI alpha 2 chain; plus strand). Cytogenetic location: 21q22.3.
Variant type: single nucleotide variant.
Coding change: c.735+35G>A on transcript NM_001849.4 (MANE Select); 35 bases into the intron after coding-DNA position 735, G replaced by A.
Molecular consequence: intron variant.
Genome position (GRCh38, 1-based): chr21:46,112,859, G>A. VCF-style: chr21-46112859-G-A. GRCh37 (hg19) VCF-style: chr21-47532773-G-A.
Other names: c.735+35G>A (NM_058175.3, NM_058174.3).
Identifiers: ClinVar variation 3351088 (VCV003351088.1).
Genomic context (GRCh38, chr21:46,112,859, plus strand): 5'-TGCAGAAACACGAAGCCTACGGAGAGGTGAGTGGCGCTTCCCTTCCTGCCAGTGCTGGCC[G>A]GCAGCTGACCCAGCAGAGATGACCGCGCCAGGCTGCCGACTCCTGGCGCCTCCAGGCTGG-3'